The following is an entry in ClinVar:

ClinVar aggregate classification (germline): Uncertain significance. Review status: criteria provided, multiple submitters, no conflicts (2 of 4 stars). 2 submissions from 2 submitters: Uncertain significance (2). Last evaluated 2025-02-12.

Conditions:
Inborn genetic diseases. Identifiers: MedGen C0950123, MeSH D030342.
Nemaline myopathy 10 (NEM10). Identifiers: MedGen C4015360, MONDO:0014513, OMIM 616165.

Allele frequency attached by ClinVar (database versions not stated): gnomAD exomes below 0.00001; TOPMed below 0.00001; ExAC 0.00001; gnomAD 0.00001.
gnomAD v4.1: 2 of 1,613,760 alleles (0.00012%); highest among the groups gnomAD compares: Non-Finnish European, 0.00017%; no homozygotes.

Submissions (2):

Ambry Genetics
Classification: Uncertain significance for Inborn genetic diseases. Last evaluated: 2025-02-12. Review status: criteria provided, single submitter. Criteria: Ambry Variant Classification Scheme 2023. Collection method: clinical testing. Allele origin: germline.

Labcorp Genetics (formerly Invitae), Labcorp
Classification: Uncertain significance for Nemaline myopathy 10. Last evaluated: 2021-08-21. Review status: criteria provided, single submitter. Criteria: Invitae Variant Classification Sherloc (09022015). Collection method: clinical testing. Allele origin: germline.
Comment: Algorithms developed to predict the effect of missense changes on protein structure and function (SIFT, PolyPhen-2, Align-GVGD) all suggest that this variant is likely to be disruptive. In summary, the available evidence is currently insufficient to determine the role of this variant in disease. Therefore, it has been classified as a Variant of Uncertain Significance. This variant has not been reported in the literature in individuals affected with LMOD3-related conditions. This variant is present in population databases (rs757466929, ExAC 0.001%). This sequence change replaces aspartic acid with tyrosine at codon 273 of the LMOD3 protein (p.Asp273Tyr). The aspartic acid residue is highly conserved and there is a large physicochemical difference between aspartic acid and tyrosine.

NM_198271.5(LMOD3):c.817G>T (p.Asp273Tyr)

Gene: LMOD3 (leiomodin 3; minus strand). Cytogenetic location: 3p14.1.
Variant type: single nucleotide variant.
Coding change: c.817G>T on transcript NM_198271.5 (MANE Select); coding-DNA position 817, G replaced by T.
Protein change: p.Asp273Tyr; replaces aspartic acid 273 with tyrosine.
Molecular consequence: missense variant.
Genome position (GRCh38, 1-based): chr3:69,119,538, C>A on the plus strand (G>T on the coding strand, the complement: LMOD3 is on the minus strand). VCF-style: chr3-69119538-C-A. GRCh37 (hg19) VCF-style: chr3-69168689-C-A.
Other names: c.817G>T, p.Asp273Tyr (NM_001304418.3); c.817G>T (NM_198271.3); short protein forms D273Y.
Identifiers: ClinVar variation 1433289 (VCV001433289.7), dbSNP rs757466929, ClinGen allele CA2488917.